The following is an entry in ClinVar:

NM_000038.6(APC):c.8081_8083del (p.Ile2694del)

Gene: APC (APC regulator of Wnt signaling pathway; plus strand). Cytogenetic location: 5q22.2.
Variant type: Deletion.
Coding change: c.8081_8083del on transcript NM_000038.6 (MANE Select); coding-DNA positions 8081 to 8083, 3 bases deleted (TTA; older notation c.8081_8083delTTA).
Protein change: p.Ile2694del; deletes isoleucine 2694.
Molecular consequence: inframe deletion. On other transcripts: inframe indel (20).
Genome position (GRCh38, 1-based): chr5:112,843,675-112,843,677, TTA deleted; deleting any 3 consecutive bases within chr5:112,843,674-112,843,677 gives the same sequence; the c. name uses the placement nearest the transcript's 3' end. VCF-style (leftmost placement, unchanged base first): chr5-112843673-CATT-C. GRCh37 (hg19) VCF-style: chr5-112179370-CATT-C.
Other names: c.7601_7603del, p.Ile2534del (NM_001354905.2); c.7232_7234del, p.Ile2411del (NM_001354906.2); c.8165_8167delTTA, p.Ile2722del (NM_001407446.1); c.8135_8137delTTA, p.Ile2712del (NM_001407447.1, NM_001407448.1, NM_001407449.1); c.8081_8083delTTA, p.Ile2694del (NM_001407450.1); c.8060_8062delTTA, p.Ile2687del (NM_001407451.1); c.8051_8053delTTA, p.Ile2684del (NM_001407452.1); c.7904_7906delTTA, p.Ile2635del (NM_001407453.1); and 16 more; short protein forms I2534del, I2565del, I2603del, I2694del, I2722del, I2611del, I2635del, I2666del.
Identifiers: ClinVar variation 2121752 (VCV002121752.4), dbSNP rs2533842655, ClinGen allele CA2580072460.

ClinVar aggregate classification (germline): Uncertain significance (1 of 4 stars; one submission).

Conditions:
Familial adenomatous polyposis 1 (FAP1). Also called: POLYPOSIS, ADENOMATOUS INTESTINAL; FAMILIAL ADENOMATOUS POLYPOSIS 1, ATTENUATED. Identifiers: MedGen C2713442, MONDO:0021056, OMIM 175100. Disease mechanism: loss of function.

Submission:

Labcorp Genetics (formerly Invitae), Labcorp
Classification: Uncertain significance for Familial adenomatous polyposis 1. Last evaluated: 2022-04-05. Review status: criteria provided, single submitter. Criteria: Invitae Variant Classification Sherloc (09022015). Collection method: clinical testing. Allele origin: germline.
Comment: This variant, c.8081_8083del, results in the deletion of 1 amino acid(s) of the APC protein (p.Ile2694del), but otherwise preserves the integrity of the reading frame. This variant is not present in population databases (gnomAD no frequency). This variant has not been reported in the literature in individuals affected with APC-related conditions. Experimental studies and prediction algorithms are not available or were not evaluated, and the functional significance of this variant is currently unknown. In summary, the available evidence is currently insufficient to determine the role of this variant in disease. Therefore, it has been classified as a Variant of Uncertain Significance.